The following is an entry in ClinVar:

ClinVar aggregate classification (germline): Uncertain significance. Review status: criteria provided, multiple submitters, no conflicts (2 of 4 stars). 2 submissions from 2 submitters: Uncertain significance (2). Last evaluated 2026-07-01.

Conditions:
Glycogen storage disease, type II (IOPD). Also called: CARDIOMEGALIA GLYCOGENICA DIFFUSA; GLYCOGENOSIS, GENERALIZED, CARDIAC FORM; GSD II; Glycogen storage disease type 2; Acid maltase deficiency disease; Aglucosidase alfa. Identifiers: Orphanet 365, MedGen C0017921, MONDO:0009290, OMIM 232300.

Submissions (2):

Genomenon, Inc
Classification: Uncertain significance for Glycogen storage disease, type II. Last evaluated: 2026-07-01. Review status: criteria provided, single submitter. Criteria: Genomenon Sequence Variant Interpretation Standards - Updated. Collection method: curation. Allele origin: germline. Affected: no.
Comment: GAA p.Met427Ile (c.1281G>T) is a missense variant that changes the amino acid at codon 427 from Methionine to Isoleucine. This variant has been reported in the published literature (PMID:32518148;31342611;33560568;38250073;31086307). It is absent or not present at a significant frequency in gnomAD. In conclusion, we classify GAA p.Met427Ile (c.1281G>T) as a variant of uncertain significance.

GeneDx
Classification: Uncertain significance. Last evaluated: 2024-03-27. Review status: criteria provided, single submitter. Criteria: GeneDx Variant Classification Process June 2021. Collection method: clinical testing. Allele origin: germline. Affected: yes.
Comment: Not observed at significant frequency in large population cohorts (gnomAD); In silico analysis supports that this missense variant does not alter protein structure/function; This variant is associated with the following publications: (PMID: 31086307)

Literature cited by the submitters: PubMed 32518148 (cited by Genomenon, Inc); PubMed 31342611 (cited by Genomenon, Inc); PubMed 33560568 (cited by Genomenon, Inc); PubMed 38250073 (cited by Genomenon, Inc); PubMed 31086307 (cited by Genomenon, Inc).

NM_000152.5(GAA):c.1281G>T (p.Met427Ile)

Gene: GAA (alpha glucosidase; plus strand). Cytogenetic location: 17q25.3.
Variant type: single nucleotide variant.
Coding change: c.1281G>T on transcript NM_000152.5 (MANE Select); coding-DNA position 1281, G replaced by T.
Protein change: p.Met427Ile; replaces methionine 427 with isoleucine.
Molecular consequence: missense variant.
Genome position (GRCh38, 1-based): chr17:80,108,783, G>T. VCF-style: chr17-80108783-G-T. GRCh37 (hg19) VCF-style: chr17-78082582-G-T.
Other names: c.1281G>T, p.Met427Ile (NM_001079803.3, NM_001079804.3, NM_001406741.1 and 1 more transcripts); short protein forms M427I.
Identifiers: ClinVar variation 3361331 (VCV003361331.2).